The following is an entry in ClinVar:

NM_007373.4(SHOC2):c.826C>T (p.Leu276Phe)

Gene: SHOC2 (SHOC2 leucine rich repeat scaffold protein; plus strand). Cytogenetic location: 10q25.2.
Variant type: single nucleotide variant.
Coding change: c.826C>T on transcript NM_007373.4 (MANE Select); coding-DNA position 826, C replaced by T.
Protein change: p.Leu276Phe; replaces leucine 276 with phenylalanine.
Molecular consequence: missense variant. On other transcripts: non-coding transcript variant (1), intron variant (1).
Genome position (GRCh38, 1-based): chr10:110,985,750, C>T. VCF-style: chr10-110985750-C-T. GRCh37 (hg19) VCF-style: chr10-112745508-C-T.
Other names: c.826C>T, p.Leu276Phe (NM_001324336.2, NM_001324337.2); c.704-14665C>T (NM_001269039.3); short protein forms L276F.
Identifiers: ClinVar variation 2993126 (VCV002993126.3), dbSNP rs1848064911, ClinGen allele CA378391575.
Genomic context (GRCh38, chr10:110,985,750, plus strand): 5'-GAGATTGGAAACTGTACACAGATAACCAACCTTGACTTGCAGCACAATGAACTGCTAGAC[C>T]TCCCAGATACTATAGGTATGAGAGGAGAAAGGAGATATTGATAGCTGTTAATAGCTAACT-3'
Protein context (NP_031399.2, residues 266-286): LDLQHNELLD[Leu276Phe]PDTIGNLSSL

ClinVar aggregate classification (germline): Uncertain significance (1 of 4 stars; one submission).

Conditions:
RASopathy. Also called: Noonan spectrum disorder; rasopathies. Identifiers: Orphanet 536391, MedGen C5555857, MONDO:0021060.

Allele frequency attached by ClinVar (database versions not stated): gnomAD exomes below 0.00001; gnomAD 0.00001.
gnomAD v4.1: 3 of 1,612,576 alleles (0.00019%); highest among the groups gnomAD compares: African/African-American, 0.0027%; no homozygotes.

Submission:

Labcorp Genetics (formerly Invitae), Labcorp
Classification: Uncertain significance for RASopathy. Last evaluated: 2024-01-02. Review status: criteria provided, single submitter. Criteria: Invitae Variant Classification Sherloc (09022015). Collection method: clinical testing. Allele origin: germline.
Comment: This sequence change replaces leucine, which is neutral and non-polar, with phenylalanine, which is neutral and non-polar, at codon 276 of the SHOC2 protein (p.Leu276Phe). This variant is not present in population databases (gnomAD no frequency). This variant has not been reported in the literature in individuals affected with SHOC2-related conditions. Advanced modeling of protein sequence and biophysical properties (such as structural, functional, and spatial information, amino acid conservation, physicochemical variation, residue mobility, and thermodynamic stability) performed at Invitae indicates that this missense variant is not expected to disrupt SHOC2 protein function with a negative predictive value of 80%. In summary, the available evidence is currently insufficient to determine the role of this variant in disease. Therefore, it has been classified as a Variant of Uncertain Significance.